The following is an entry in ClinVar:

ClinVar aggregate classification (germline): Uncertain significance (1 of 4 stars; one submission).

Conditions:
Hereditary cancer-predisposing syndrome. Also called: Hereditary Cancer Syndrome; Hereditary neoplastic syndrome; Tumor predisposition; Neoplastic Syndromes, Hereditary. Identifiers: Orphanet 140162, MedGen C0027672, MeSH D009386, MONDO:0015356.

Submission:

Ambry Genetics
Classification: Uncertain significance for Hereditary cancer-predisposing syndrome. Last evaluated: 2020-09-14. Review status: criteria provided, single submitter. Criteria: Ambry Variant Classification Scheme 2023. Collection method: clinical testing. Allele origin: germline.
Comment: The p.T841P variant (also known as c.2521A>C), located in coding exon 17 of the CTNNA1 gene, results from an A to C substitution at nucleotide position 2521. The threonine at codon 841 is replaced by proline, an amino acid with highly similar properties. This amino acid position is highly conserved in available vertebrate species. In addition, this alteration is predicted to be deleterious by in silico analysis. Since supporting evidence is limited at this time, the clinical significance of this alteration remains unclear.

NM_001903.5(CTNNA1):c.2521A>C (p.Thr841Pro)

Gene: CTNNA1 (catenin alpha 1; plus strand). Cytogenetic location: 5q31.2.
Variant type: single nucleotide variant.
Coding change: c.2521A>C on transcript NM_001903.5 (MANE Select); coding-DNA position 2521, A replaced by C.
Protein change: p.Thr841Pro; replaces threonine 841 with proline.
Molecular consequence: missense variant. On other transcripts: 3 prime UTR variant (5).
Genome position (GRCh38, 1-based): chr5:138,933,889, A>C. VCF-style: chr5-138933889-A-C. GRCh37 (hg19) VCF-style: chr5-138269578-A-C.
Other names: c.*66A>C (NM_001290307.3, NM_001324002.1, NM_001324003.1 and 2 more transcripts); c.2212A>C, p.Thr738Pro (NM_001290309.3); c.2152A>C, p.Thr718Pro (NM_001290310.3); c.1411A>C, p.Thr471Pro (NM_001290312.1, NM_001323987.1, NM_001323988.1 and 12 more transcripts); c.2521A>C, p.Thr841Pro (NM_001323982.2, NM_001323983.1, NM_001323984.2); c.2494A>C, p.Thr832Pro (NM_001323985.2); c.2428A>C, p.Thr810Pro (NM_001323986.2); c.1276A>C, p.Thr426Pro (NM_001324001.1); and 3 more; short protein forms T426P, T440P, T738P, T841P, T358P, T390P, T471P, T832P.
Identifiers: ClinVar variation 1792546 (VCV001792546.2), dbSNP rs2533950154, ClinGen allele CA361135319.